The following is an entry in ClinVar:

ClinVar aggregate classification (germline): Uncertain significance (1 of 4 stars; one submission).

gnomAD v4.1: 5 of 1,613,914 alleles (0.00031%); highest among the groups gnomAD compares: East Asian, 0.0022%; no homozygotes.

Submission:

Labcorp Genetics (formerly Invitae), Labcorp
Classification: Uncertain significance. Last evaluated: 2025-05-18. Review status: criteria provided, single submitter. Criteria: Invitae Variant Classification Sherloc (09022015). Collection method: clinical testing. Allele origin: germline.
Comment: This sequence change replaces threonine, which is neutral and polar, with isoleucine, which is neutral and non-polar, at codon 52 of the PSMB4 protein (p.Thr52Ile). This variant is present in population databases (rs746758423, gnomAD 0.0009%). This variant has not been reported in the literature in individuals affected with PSMB4-related conditions. An algorithm developed to predict the effect of missense changes on protein structure and function (PolyPhen-2) suggests that this variant is likely to be disruptive. In summary, the available evidence is currently insufficient to determine the role of this variant in disease. Therefore, it has been classified as a Variant of Uncertain Significance.

NM_002796.3(PSMB4):c.155C>T (p.Thr52Ile)

Gene: PSMB4 (proteasome 20S subunit beta 4; plus strand). Cytogenetic location: 1q21.3.
Variant type: single nucleotide variant.
Coding change: c.155C>T on transcript NM_002796.3 (MANE Select); coding-DNA position 155, C replaced by T.
Protein change: p.Thr52Ile; replaces threonine 52 with isoleucine.
Molecular consequence: missense variant.
Genome position (GRCh38, 1-based): chr1:151,399,995, C>T. VCF-style: chr1-151399995-C-T. GRCh37 (hg19) VCF-style: chr1-151372471-C-T.
Other names: short protein forms T52I.
Identifiers: ClinVar variation 4776514 (VCV004776514.1).